The following is an entry in ClinVar:

ClinVar aggregate classification (germline): Uncertain significance (1 of 4 stars; one submission).

Conditions:
Distal hereditary motor neuropathy type 2. Identifiers: Orphanet 139525, MedGen C3711384, MeSH C580044, MONDO:0015352.

gnomAD v4.1: 7 of 1,613,342 alleles (0.00043%); highest among the groups gnomAD compares: Non-Finnish European, 0.00059%; no homozygotes.

Submission:

Labcorp Genetics (formerly Invitae), Labcorp
Classification: Uncertain significance for Distal hereditary motor neuropathy type 2. Last evaluated: 2021-02-18. Review status: criteria provided, single submitter. Criteria: Invitae Variant Classification Sherloc (09022015). Collection method: clinical testing. Allele origin: germline.
Comment: In summary, the available evidence is currently insufficient to determine the role of this variant in disease. Therefore, it has been classified as a Variant of Uncertain Significance. Algorithms developed to predict the effect of missense changes on protein structure and function (SIFT, PolyPhen-2, Align-GVGD) all suggest that this variant is likely to be tolerated, but these predictions have not been confirmed by published functional studies and their clinical significance is uncertain. This variant has not been reported in the literature in individuals with FBXO38-related conditions. This variant is not present in population databases (ExAC no frequency). This sequence change replaces serine with alanine at codon 592 of the FBXO38 protein (p.Ser592Ala). The serine residue is weakly conserved and there is a moderate physicochemical difference between serine and alanine.

NM_205836.3(FBXO38):c.1774T>G (p.Ser592Ala)

Gene: FBXO38 (F-box protein 38; plus strand). Cytogenetic location: 5q32.
Variant type: single nucleotide variant.
Coding change: c.1774T>G on transcript NM_205836.3 (MANE Select); coding-DNA position 1774, T replaced by G.
Protein change: p.Ser592Ala; replaces serine 592 with alanine.
Molecular consequence: missense variant.
Genome position (GRCh38, 1-based): chr5:148,425,557, T>G. VCF-style: chr5-148425557-T-G. GRCh37 (hg19) VCF-style: chr5-147805120-T-G.
Other names: c.1774T>G, p.Ser592Ala (NM_001271723.2, NM_030793.5); short protein forms S592A.
Identifiers: ClinVar variation 1014068 (VCV001014068.10), dbSNP rs10043775, ClinGen allele CA361655358.